The following is an entry in ClinVar:

NM_138393.4(REEP6):c.287G>T (p.Gly96Val)

Gene: REEP6 (receptor accessory protein 6; plus strand). Cytogenetic location: 19p13.3.
Variant type: single nucleotide variant.
Coding change: c.287G>T on transcript NM_138393.4 (MANE Select); coding-DNA position 287, G replaced by T.
Protein change: p.Gly96Val; replaces glycine 96 with valine.
Molecular consequence: missense variant.
Genome position (GRCh38, 1-based): chr19:1,495,546, G>T. VCF-style: chr19-1495546-G-T. GRCh37 (hg19) VCF-style: chr19-1495545-G-T.
Other names: c.287G>T, p.Gly96Val (NM_001329556.3); short protein forms G96V.
Identifiers: ClinVar variation 953425 (VCV000953425.9), dbSNP rs1320275798, ClinGen allele CA403056724.

ClinVar aggregate classification (germline): Uncertain significance. Review status: criteria provided, multiple submitters, no conflicts (2 of 4 stars). 2 submissions from 2 submitters: Uncertain significance (2). Last evaluated 2022-10-27.

Allele frequency attached by ClinVar (database versions not stated): gnomAD exomes below 0.00001 and 0.00003; gnomAD 0.00001; TOPMed 0.00002.
gnomAD v4.1: 42 of 1,613,982 alleles (0.0026%); highest among the groups gnomAD compares: Non-Finnish European, 0.0035%; no homozygotes.

Submissions (2):

Blueprint Genetics
Classification: Uncertain significance. Last evaluated: 2022-10-27. Review status: criteria provided, single submitter. Criteria: ACMG Guidelines, 2015. Collection method: clinical testing. Allele origin: germline.

Labcorp Genetics (formerly Invitae), Labcorp
Classification: Uncertain significance. Last evaluated: 2019-11-11. Review status: criteria provided, single submitter. Criteria: Invitae Variant Classification Sherloc (09022015). Collection method: clinical testing. Allele origin: germline.
Comment: In summary, the available evidence is currently insufficient to determine the role of this variant in disease. Therefore, it has been classified as a Variant of Uncertain Significance. Algorithms developed to predict the effect of missense changes on protein structure and function are either unavailable or do not agree on the potential impact of this missense change (SIFT: "Tolerated"; PolyPhen-2: "Not Available"; Align-GVGD: "Class C0"). This variant has not been reported in the literature in individuals with REEP6-related conditions. This variant is not present in population databases (ExAC no frequency). This sequence change replaces glycine with valine at codon 96 of the REEP6 protein (p.Gly96Val). The glycine residue is weakly conserved and there is a moderate physicochemical difference between glycine and valine.